The following is an entry in ClinVar:

NM_000051.4(ATM):c.8223A>G (p.Arg2741=)

Genes: ATM (ATM serine/threonine kinase; plus strand), C11orf65 (chromosome 11 open reading frame 65; minus strand). Cytogenetic location: 11q22.3.
Variant type: single nucleotide variant.
Coding change: c.8223A>G on transcript NM_000051.4 (MANE Select); coding-DNA position 8223, A replaced by G.
Protein change: p.Arg2741=; no amino-acid change (arginine 2741 retained).
Molecular consequence: synonymous variant. On other transcripts: intron variant (2).
Genome position (GRCh38, 1-based): chr11:108,335,916, A>G. VCF-style: chr11-108335916-A-G. GRCh37 (hg19) VCF-style: chr11-108206643-A-G.
Other names: c.8223A>G, p.Arg2741= (NM_001351834.2); c.641-26845T>C (NM_001330368.2); c.695-624T>C (NM_001351110.2).
Identifiers: ClinVar variation 3253957 (VCV003253957.1), dbSNP rs2547347526.
Genomic context (GRCh38, chr11:108,335,916, plus strand): 5'-CCTGAGACAAGATGCTGTCATGCAACAGGTCTTCCAGATGTGTAATACATTACTGCAGAG[A>G]AACACGGAAACTAGGAAGAGGAAATTAACTATCTGTACTTATAAGGTAACTATTTGTACT-3'
Protein context (NP_000042.3, residues 2731-2751): VFQMCNTLLQ[Arg2741=]NTETRKRKLT

ClinVar aggregate classification (germline): Benign (1 of 4 stars; one submission).

Conditions:
Familial cancer of breast. Also called: hereditary breast carcinoma; BREAST CANCER, FAMILIAL; Hereditary breast cancer. Identifiers: Orphanet 227535, MedGen C0346153, MONDO:0016419, OMIM 114480. Disease mechanism: loss of function.

Allele frequency attached by ClinVar (database versions not stated): gnomAD exomes below 0.00001.
gnomAD v4.1: 3 of 1,614,036 alleles (0.00019%); highest among the groups gnomAD compares: Non-Finnish European, 0.00025%; no homozygotes.

Submission:

Myriad Genetics, Inc.
Classification: Benign for Familial cancer of breast. Last evaluated: 2024-06-18. Review status: criteria provided, single submitter. Criteria: Myriad Autosomal Dominant, Autosomal Recessive and X-Linked Classification Criteria (2023). Collection method: clinical testing. Allele origin: unknown.
Comment: This variant is considered benign. This variant is a silent/synonymous amino acid change and it is not expected to impact splicing.